The following is an entry in ClinVar:

NM_004990.4(MARS1):c.2241T>C (p.Asn747=)

Gene: MARS1 (methionyl-tRNA synthetase 1; plus strand). Cytogenetic location: 12q13.3.
Variant type: single nucleotide variant.
Coding change: c.2241T>C on transcript NM_004990.4 (MANE Select); coding-DNA position 2241, T replaced by C.
Protein change: p.Asn747=; no amino-acid change (asparagine 747 retained).
Molecular consequence: synonymous variant.
Genome position (GRCh38, 1-based): chr12:57,515,186, T>C. VCF-style: chr12-57515186-T-C. GRCh37 (hg19) VCF-style: chr12-57908969-T-C.
Identifiers: ClinVar variation 4988814 (VCV004988814.1).

ClinVar aggregate classification (germline): Likely benign (1 of 4 stars; one submission).

Conditions:
MARS1-related disorder. Also called: MARS1-related condition.

gnomAD v4.1: 10 of 1,614,062 alleles (0.00062%); highest among the groups gnomAD compares: African/African-American, 0.011%; no homozygotes.

Submission:

PreventionGenetics, part of Exact Sciences
Classification: Likely benign for MARS1-related condition. Last evaluated: 2026-06-05. Review status: criteria provided, single submitter. Criteria: ACMG Guidelines, 2015. Collection method: clinical testing. Allele origin: germline.
Comment: This variant is classified as likely benign based on ACMG/AMP sequence variant interpretation guidelines (Richards et al. 2015 PMID: 25741868, with internal and published modifications).